The following is an entry in ClinVar:

NM_001037333.3(CYFIP2):c.3412T>A (p.Cys1138Ser)

Genes: CYFIP2 (cytoplasmic FMR1 interacting protein 2; plus strand), NIPAL4-DT (NIPAL4 divergent transcript; minus strand). Cytogenetic location: 5q33.3.
Variant type: single nucleotide variant.
Coding change: c.3412T>A on transcript NM_001037333.3 (MANE Select); coding-DNA position 3412, T replaced by A.
Protein change: p.Cys1138Ser; replaces cysteine 1138 with serine.
Molecular consequence: missense variant.
Genome position (GRCh38, 1-based): chr5:157,389,393, T>A. VCF-style: chr5-157389393-T-A. GRCh37 (hg19) VCF-style: chr5-156816401-T-A.
Other names: c.3334T>A, p.Cys1112Ser (NM_001291721.2); c.3487T>A, p.Cys1163Ser (NM_001291722.2); c.3412T>A, p.Cys1138Ser (NM_014376.4); c.3487T>A (NM_001291722.1); short protein forms C1112S, C1138S, C1163S.
Identifiers: ClinVar variation 1598759 (VCV001598759.10), dbSNP rs148677157, ClinGen allele CA3534359.
Genomic context (GRCh38, chr5:157,389,393, plus strand): 5'-ATGCACGTCGATGAGTGTGTGGAGTTCCACCGGCTGTGGAGCGCCATGCAGTTCGTGTAC[T>A]GCATCCCTGTGGGAACCAACGAGTTCACAGCTGAGTGAGTACCCCCCAGAGAAGGCAGGG-3'
Protein context (NP_001032410.1, residues 1128-1148): RLWSAMQFVY[Cys1138Ser]IPVGTNEFTA

ClinVar aggregate classification (germline): Benign. Review status: criteria provided, single submitter (1 of 4 stars). 2 submissions from 2 submitters: Benign (1). 1 of the submissions does not count toward it. Last evaluated 2026-01-17.

Conditions:
CYFIP2-related disorder. Also called: CYFIP2-related condition.

Allele frequency attached by ClinVar (database versions not stated): gnomAD 0.00038 and 0.00059; gnomAD exomes 0.00057 and 0.00143; TOPMed 0.00064; ExAC 0.00144; 1000 Genomes Project 30x 0.00265; 1000 Genomes Project 0.00300.
gnomAD v4.1: 927 of 1,607,794 alleles (0.058%); highest among the groups gnomAD compares: East Asian, 1.9%; 8 homozygotes.

Submissions (2):

Labcorp Genetics (formerly Invitae), Labcorp
Classification: Benign. Last evaluated: 2026-01-17. Review status: criteria provided, single submitter. Criteria: Invitae Variant Classification Sherloc (09022015). Collection method: clinical testing. Allele origin: germline.

PreventionGenetics, part of Exact Sciences
Classification: Benign for CYFIP2-related condition. Last evaluated: 2024-07-12. Review status: no assertion criteria provided. Collection method: clinical testing. Allele origin: germline. Not counted in ClinVar's aggregate classification.
Comment: This variant is classified as benign based on ACMG/AMP sequence variant interpretation guidelines (Richards et al. 2015 PMID: 25741868, with internal and published modifications).